The following is an entry in ClinVar:

ClinVar aggregate classification (germline): Likely benign. Review status: criteria provided, multiple submitters, no conflicts (2 of 4 stars). 3 submissions from 3 submitters: Likely benign (3). Last evaluated 2025-11-08.

Conditions:
Cardiomyopathy (CMYO). Also called: Cardiomyopathies. Identifiers: Orphanet 167848, MedGen C0878544, MONDO:0004994, HP:0001638. Inheritance: Various modes of inheritance.
Hypertrophic cardiomyopathy. Also called: HYPERTROPHIC MYOCARDIOPATHY. Identifiers: Orphanet 217569, MedGen C0007194, MeSH D002312, MONDO:0005045, HP:0001639.

Allele frequency attached by ClinVar (database versions not stated): gnomAD exomes below 0.00001; TOPMed below 0.00001.
gnomAD v4.1: 3 of 1,611,188 alleles (0.00019%); highest among the groups gnomAD compares: Non-Finnish European, 0.00017%; no homozygotes.

Submissions (3):

Labcorp Genetics (formerly Invitae), Labcorp
Classification: Likely benign for Hypertrophic cardiomyopathy. Last evaluated: 2025-11-08. Review status: criteria provided, single submitter. Criteria: Invitae Variant Classification Sherloc (09022015). Collection method: clinical testing. Allele origin: germline.

All of Us Research Program, National Institutes of Health
Classification: Likely benign for Hypertrophic cardiomyopathy. Last evaluated: 2023-12-18. Review status: criteria provided, single submitter. Criteria: ACMG Guidelines, 2015. Collection method: clinical testing. Allele origin: germline. Inheritance: Autosomal dominant inheritance. Observed: 4 variant alleles, 3 heterozygotes, 1 homozygote.
Comment: This study involves interpretation of variants in research participants for the purpose of population health screening. Participant phenotype was not available at the time of variant classification. Additional details can be found in publication PMID: 35346344, PMCID: PMC8962531

Color Diagnostics, LLC DBA Color Health
Classification: Likely benign for Cardiomyopathy. Last evaluated: 2019-01-31. Review status: criteria provided, single submitter. Criteria: ACMG Guidelines, 2015. Collection method: clinical testing. Allele origin: germline.

NM_001018005.2(TPM1):c.75G>T (p.Ala25=)

Gene: TPM1 (tropomyosin 1; plus strand). Cytogenetic location: 15q22.2.
Variant type: single nucleotide variant.
Coding change: c.75G>T on transcript NM_001018005.2 (MANE Select); coding-DNA position 75, G replaced by T.
Protein change: p.Ala25=; no amino-acid change (alanine 25 retained).
Molecular consequence: synonymous variant.
Genome position (GRCh38, 1-based): chr15:63,042,904, G>T. VCF-style: chr15-63042904-G-T. GRCh37 (hg19) VCF-style: chr15-63335103-G-T.
Other names: c.75G>T, p.Ala25= (NM_000366.6, NM_001018004.2, NM_001018006.2 and 7 more transcripts).
Identifiers: ClinVar variation 923692 (VCV000923692.11), dbSNP rs1214191576, ClinGen allele CA490677862.